The following is an entry in ClinVar:

NM_006312.6(NCOR2):c.-6A>C

Gene: NCOR2 (nuclear receptor corepressor 2; minus strand). Cytogenetic location: 12q24.31.
Variant type: single nucleotide variant.
Coding change: c.-6A>C on transcript NM_006312.6 (MANE Select); 6 bases upstream of the start codon, A replaced by C.
Molecular consequence: 5 prime UTR variant.
Genome position (GRCh38, 1-based): chr12:124,495,257, T>G on the plus strand (A>C on the coding strand, the complement: NCOR2 is on the minus strand). VCF-style: chr12-124495257-T-G. GRCh37 (hg19) VCF-style: chr12-124979803-T-G.
Other names: c.-6A>C (NM_001077261.4, NM_001206654.2).
Identifiers: ClinVar variation 3039906 (VCV003039906.2), dbSNP rs531976037, ClinGen allele CA6870079.
Genomic context (GRCh38, chr12:124,495,257, plus strand): 5'-AGCGGGGCTCAGTGGCCCTCCACGTCTGTGCCACAGGCTGTGTGGATCCCGACATGGTGG[T>G]GGGGGTCGGCGGGGAGCTGCTCCCAGGCCCCAATAAGCTTTCTCTTAATCACCACCAAGG-3'

ClinVar aggregate classification (germline): Likely benign (0 of 4 stars; one submission).

Conditions:
NCOR2-related disorder. Also called: NCOR2-related condition.

Allele frequency attached by ClinVar (database versions not stated): 1000 Genomes Project 30x 0.00062; 1000 Genomes Project 0.00080.
gnomAD v4.1: 178 of 1,610,350 alleles (0.011%); highest among the groups gnomAD compares: East Asian, 0.33%; 1 homozygote.

Submission:

PreventionGenetics, part of Exact Sciences
Classification: Likely benign for NCOR2-related condition. Last evaluated: 2019-09-10. Review status: no assertion criteria provided. Collection method: clinical testing. Allele origin: germline.
Comment: This variant is classified as likely benign based on ACMG/AMP sequence variant interpretation guidelines (Richards et al. 2015 PMID: 25741868, with internal and published modifications).